The following is an entry in ClinVar:

NM_004260.4(RECQL4):c.710C>T (p.Pro237Leu)

Gene: RECQL4 (RecQ like helicase 4; minus strand). Cytogenetic location: 8q24.3.
Variant type: single nucleotide variant.
Coding change: c.710C>T on transcript NM_004260.4 (MANE Select); coding-DNA position 710, C replaced by T.
Protein change: p.Pro237Leu; replaces proline 237 with leucine.
Molecular consequence: missense variant. On other transcripts: 5 prime UTR variant (17), non-coding transcript variant (3).
Genome position (GRCh38, 1-based): chr8:144,516,409, G>A on the plus strand (C>T on the coding strand, the complement: RECQL4 is on the minus strand). VCF-style: chr8-144516409-G-A. GRCh37 (hg19) VCF-style: chr8-145741793-G-A.
Other names: c.710C>T, p.Pro237Leu (NM_001413017.1, NM_001413018.1, NM_001413019.1 and 4 more transcripts); c.-362C>T (NM_001413021.1, NM_001413022.1, NM_001413023.1 and 7 more transcripts); c.581C>T, p.Pro194Leu (NM_001413025.1); c.-424C>T (NM_001413027.1, NM_001413030.1, NM_001413031.1 and 2 more transcripts); c.359C>T, p.Pro120Leu (NM_001413029.1); c.-266C>T (NM_001413034.1); c.-631C>T (NM_001413043.1); short protein forms P120L, P194L, P237L.
Identifiers: ClinVar variation 3788023 (VCV003788023.1).

ClinVar aggregate classification (germline): Uncertain significance (1 of 4 stars; one submission).

Conditions:
Inborn genetic diseases. Identifiers: MedGen C0950123, MeSH D030342.

gnomAD v4.1: 8 of 1,609,534 alleles (0.0005%); highest among the groups gnomAD compares: Admixed American, 0.0017%; no homozygotes.

Submission:

Ambry Genetics
Classification: Uncertain significance for Inborn genetic diseases. Last evaluated: 2025-02-05. Review status: criteria provided, single submitter. Criteria: Ambry Variant Classification Scheme 2023. Collection method: clinical testing. Allele origin: germline.
Comment: The p.P237L variant (also known as c.710C>T), located in coding exon 5 of the RECQL4 gene, results from a C to T substitution at nucleotide position 710. The proline at codon 237 is replaced by leucine, an amino acid with similar properties. This amino acid position is conserved. In addition, this alteration is predicted to be tolerated by in silico analysis. Based on the available evidence, the clinical significance of this variant remains unclear.